The following is an entry in ClinVar:

NM_152618.3(BBS12):c.97C>A (p.Leu33Ile)

Gene: BBS12 (Bardet-Biedl syndrome 12; plus strand). Cytogenetic location: 4q27.
Variant type: single nucleotide variant.
Coding change: c.97C>A on transcript NM_152618.3 (MANE Select); coding-DNA position 97, C replaced by A.
Protein change: p.Leu33Ile; replaces leucine 33 with isoleucine.
Molecular consequence: missense variant.
Genome position (GRCh38, 1-based): chr4:122,741,989, C>A. VCF-style: chr4-122741989-C-A. GRCh37 (hg19) VCF-style: chr4-123663144-C-A.
Other names: c.97C>A, p.Leu33Ile (NM_001178007.2); c.97C>A (NM_152618.2); short protein forms L33I.
Identifiers: ClinVar variation 2059016 (VCV002059016.4), dbSNP rs1011665825, ClinGen allele CA358222175.

ClinVar aggregate classification (germline): Uncertain significance. Review status: criteria provided, multiple submitters, no conflicts (2 of 4 stars). 3 submissions from 3 submitters: Uncertain significance (2). 1 of the submissions does not count toward it. Last evaluated 2024-11-11.

Conditions:
Bardet-Biedl syndrome (BBS). Identifiers: Orphanet 110, MedGen C0752166, MONDO:0015229.
Bardet-Biedl syndrome 12 (BBS12). Identifiers: Orphanet 110, MedGen C1859570, MONDO:0014440, OMIM 615989.
BBS12-related disorder. Also called: BBS12-related condition.

Allele frequency attached by ClinVar (database versions not stated): gnomAD exomes below 0.00001; TOPMed 0.00002; gnomAD 0.00004.

Submissions (3):

Labcorp Genetics (formerly Invitae), Labcorp
Classification: Uncertain significance for Bardet-Biedl syndrome. Last evaluated: 2024-11-11. Review status: criteria provided, single submitter. Criteria: Invitae Variant Classification Sherloc (09022015). Collection method: clinical testing. Allele origin: germline.
Comment: This sequence change replaces leucine, which is neutral and non-polar, with isoleucine, which is neutral and non-polar, at codon 33 of the BBS12 protein (p.Leu33Ile). This variant is present in population databases (no rsID available, gnomAD 0.02%). This variant has not been reported in the literature in individuals affected with BBS12-related conditions. ClinVar contains an entry for this variant (Variation ID: 2059016). Invitae Evidence Modeling of protein sequence and biophysical properties (such as structural, functional, and spatial information, amino acid conservation, physicochemical variation, residue mobility, and thermodynamic stability) indicates that this missense variant is not expected to disrupt BBS12 protein function with a negative predictive value of 80%. In summary, the available evidence is currently insufficient to determine the role of this variant in disease. Therefore, it has been classified as a Variant of Uncertain Significance.

Fulgent Genetics
Classification: Uncertain significance for Bardet-Biedl syndrome 12. Last evaluated: 2024-06-19. Review status: criteria provided, single submitter. Criteria: ACMG Guidelines, 2015. Collection method: clinical testing. Allele origin: germline.

PreventionGenetics, part of Exact Sciences
Classification: Uncertain significance for BBS12-related condition. Last evaluated: 2024-05-11. Review status: no assertion criteria provided. Collection method: clinical testing. Allele origin: germline. Not counted in ClinVar's aggregate classification.
Comment: The BBS12 c.97C>A variant is predicted to result in the amino acid substitution p.Leu33Ile. To our knowledge, this variant has not been reported in the literature. This variant is reported in 0.020% of alleles in individuals of African descent in gnomAD. At this time, the clinical significance of this variant is uncertain due to the absence of conclusive functional and genetic evidence.